The following is an entry in ClinVar:

ClinVar aggregate classification (germline): Uncertain significance. Review status: criteria provided, multiple submitters, no conflicts (2 of 4 stars). 2 submissions from 2 submitters: Uncertain significance (2). Last evaluated 2023-08-17.

Conditions:
Early-infantile DEE. Also called: Ohtahara syndrome; Early infantile epileptic encephalopathy with suppression bursts; Early infantile epileptic encephalopathy. Identifiers: Orphanet 1934, MedGen C0393706, MONDO:0800491.

gnomAD v4.1: 2 of 1,614,132 alleles (0.00012%); highest among the groups gnomAD compares: Middle Eastern, 0.017%; no homozygotes.

Submissions (2):

Labcorp Genetics (formerly Invitae), Labcorp
Classification: Uncertain significance for Early-infantile DEE. Last evaluated: 2023-08-17. Review status: criteria provided, single submitter. Criteria: Invitae Variant Classification Sherloc (09022015). Collection method: clinical testing. Allele origin: germline.
Comment: Advanced modeling of protein sequence and biophysical properties (such as structural, functional, and spatial information, amino acid conservation, physicochemical variation, residue mobility, and thermodynamic stability) has been performed at Invitae for this missense variant, however the output from this modeling did not meet the statistical confidence thresholds required to predict the impact of this variant on SPTAN1 protein function. ClinVar contains an entry for this variant (Variation ID: 1365979). This variant has not been reported in the literature in individuals affected with SPTAN1-related conditions. This variant is not present in population databases (gnomAD no frequency). This sequence change replaces arginine, which is basic and polar, with glycine, which is neutral and non-polar, at codon 347 of the SPTAN1 protein (p.Arg347Gly). In summary, the available evidence is currently insufficient to determine the role of this variant in disease. Therefore, it has been classified as a Variant of Uncertain Significance.

Blueprint Genetics
Classification: Uncertain significance. Last evaluated: 2021-07-05. Review status: criteria provided, single submitter. Criteria: ACMG Guidelines, 2015. Collection method: clinical testing. Allele origin: germline.

NM_001130438.3(SPTAN1):c.1039C>G (p.Arg347Gly)

Gene: SPTAN1 (spectrin alpha, non-erythrocytic 1; plus strand). Cytogenetic location: 9q34.11.
Variant type: single nucleotide variant.
Coding change: c.1039C>G on transcript NM_001130438.3 (MANE Select); coding-DNA position 1039, C replaced by G.
Protein change: p.Arg347Gly; replaces arginine 347 with glycine.
Molecular consequence: missense variant.
Genome position (GRCh38, 1-based): chr9:128,577,460, C>G. VCF-style: chr9-128577460-C-G. GRCh37 (hg19) VCF-style: chr9-131339739-C-G.
Other names: c.1039C>G, p.Arg347Gly (NM_001195532.2, NM_001363759.2, NM_001363765.2 and 5 more transcripts); c.1075C>G, p.Arg359Gly (NM_001375312.2, NM_001375318.1); short protein forms R347G, R359G.
Identifiers: ClinVar variation 1365979 (VCV001365979.8), dbSNP rs754066930, ClinGen allele CA375049787.
Genomic context (GRCh38, chr9:128,577,460, plus strand): 5'-CTGAGTGCAACACAGATTCAAGTGAAGCGAGAGGAACTGATTACAAACTGGGAGCAGATC[C>G]GCACCTTGGCGGCAGAGAGACATGCACGGCTCAATGATTCATACAGGTGCAAATAATGCT-3'
Protein context (NP_001123910.1, residues 337-357): EELITNWEQI[Arg347Gly]TLAAERHARL